The following is an entry in ClinVar:

NM_020207.7(ERCC6L2):c.3577C>T (p.Leu1193Phe)

Gene: ERCC6L2 (ERCC excision repair 6 like 2; plus strand). Cytogenetic location: 9q22.32.
Variant type: single nucleotide variant.
Coding change: c.3577C>T on transcript NM_020207.7 (MANE Select); coding-DNA position 3577, C replaced by T.
Protein change: p.Leu1193Phe; replaces leucine 1193 with phenylalanine.
Molecular consequence: missense variant. On other transcripts: non-coding transcript variant (1).
Genome position (GRCh38, 1-based): chr9:96,004,604, C>T. VCF-style: chr9-96004604-C-T. GRCh37 (hg19) VCF-style: chr9-98766886-C-T.
Other names: c.3577C>T, p.Leu1193Phe (NM_001375291.1, NM_001375292.1); short protein forms L1193F.
Identifiers: ClinVar variation 3696517 (VCV003696517.2).
Genomic context (GRCh38, chr9:96,004,604, plus strand): 5'-GATACATTGCCACACACAAAGAAAGGCCAGCAACCGAGTGAAGGCAGCATTTCACTTCCT[C>T]TTTACATTTCAAATCCTGTAAACCAGAAGAAGAAAAAAGTCTACCATACAAACCAGACCA-3'
Protein context (NP_064592.3, residues 1183-1203): QPSEGSISLP[Leu1193Phe]YISNPVNQKK

ClinVar aggregate classification (germline): Uncertain significance (1 of 4 stars; one submission).

Submission:

Labcorp Genetics (formerly Invitae), Labcorp
Classification: Uncertain significance. Last evaluated: 2024-05-25. Review status: criteria provided, single submitter. Criteria: Invitae Variant Classification Sherloc (09022015). Collection method: clinical testing. Allele origin: germline.
Comment: This sequence change replaces leucine, which is neutral and non-polar, with phenylalanine, which is neutral and non-polar, at codon 1204 of the ERCC6L2 protein (p.Leu1204Phe). This variant is present in population databases (rs376796861, gnomAD 0.03%). This variant has not been reported in the literature in individuals affected with ERCC6L2-related conditions. Experimental studies and prediction algorithms are not available or were not evaluated, and the functional significance of this variant is currently unknown. In summary, the available evidence is currently insufficient to determine the role of this variant in disease. Therefore, it has been classified as a Variant of Uncertain Significance.